The following is an entry in ClinVar:

ClinVar aggregate classification (germline): Uncertain significance (1 of 4 stars; one submission).

Conditions:
Cardiovascular phenotype. Identifiers: MedGen CN230736.

Submission:

Ambry Genetics
Classification: Uncertain significance for Cardiovascular phenotype. Last evaluated: 2026-02-14. Review status: criteria provided, single submitter. Criteria: Ambry Variant Classification Scheme 2023. Collection method: clinical testing. Allele origin: germline.
Comment: The p.G433R variant (also known as c.1297G>A), located in coding exon 8 of the TBX5 gene, results from a G to A substitution at nucleotide position 1297. The glycine at codon 433 is replaced by arginine, an amino acid with dissimilar properties. This amino acid position is conserved. In addition, this alteration is predicted to be tolerated by in silico analysis. Based on the available evidence, the clinical significance of this variant remains unclear.

NM_181486.4(TBX5):c.1297G>A (p.Gly433Arg)

Gene: TBX5 (T-box transcription factor 5; minus strand). Cytogenetic location: 12q24.21.
Variant type: single nucleotide variant.
Coding change: c.1297G>A on transcript NM_181486.4 (MANE Select); coding-DNA position 1297, G replaced by A.
Protein change: p.Gly433Arg; replaces glycine 433 with arginine.
Molecular consequence: missense variant.
Genome position (GRCh38, 1-based): chr12:114,355,792, C>T on the plus strand (G>A on the coding strand, the complement: TBX5 is on the minus strand). VCF-style: chr12-114355792-C-T. GRCh37 (hg19) VCF-style: chr12-114793597-C-T.
Other names: c.1297G>A, p.Gly433Arg (NM_000192.3); c.1147G>A, p.Gly383Arg (NM_080717.4); short protein forms G433R, G383R.
Identifiers: ClinVar variation 4844376 (VCV004844376.1).